The following is an entry in ClinVar:

NM_182919.4(TICAM1):c.721G>A (p.Glu241Lys)

Gene: TICAM1 (TIR domain containing adaptor molecule 1; minus strand). Cytogenetic location: 19p13.3.
Variant type: single nucleotide variant.
Coding change: c.721G>A on transcript NM_182919.4 (MANE Select); coding-DNA position 721, G replaced by A.
Protein change: p.Glu241Lys; replaces glutamic acid 241 with lysine.
Molecular consequence: missense variant.
Genome position (GRCh38, 1-based): chr19:4,817,657, C>T on the plus strand (G>A on the coding strand, the complement: TICAM1 is on the minus strand). VCF-style: chr19-4817657-C-T. GRCh37 (hg19) VCF-style: chr19-4817669-C-T.
Other names: c.679G>A, p.Glu227Lys (NM_001385678.1); c.586G>A, p.Glu196Lys (NM_001385679.1); c.79G>A, p.Glu27Lys (NM_001385680.1); c.721G>A (NM_182919.2); short protein forms E241K, E196K, E227K, E27K.
Identifiers: ClinVar variation 577787 (VCV000577787.7), dbSNP rs370487475, ClinGen allele CA9105292.

ClinVar aggregate classification (germline): Uncertain significance. Review status: criteria provided, multiple submitters, no conflicts (2 of 4 stars). 2 submissions from 2 submitters: Uncertain significance (2). Last evaluated 2024-03-26.

Conditions:
Encephalopathy, acute, infection-induced (herpes-specific), susceptibility to, 6. Also called: Herpes simplex encephalitis, susceptibility to, 4. Identifiers: Orphanet 1930, MedGen C3553869, MONDO:0013921, OMIM 614850.

Allele frequency attached by ClinVar (database versions not stated): TOPMed 0.00003; ExAC 0.00004; gnomAD 0.00004 and 0.00003; ESP Exome Variant Server 0.00008.

Submissions (2):

Ambry Genetics
Classification: Uncertain significance. Last evaluated: 2024-03-26. Review status: criteria provided, single submitter. Criteria: Ambry Variant Classification Scheme 2023. Collection method: clinical testing. Allele origin: germline.

Labcorp Genetics (formerly Invitae), Labcorp
Classification: Uncertain significance for Encephalopathy, acute, infection-induced (herpes-specific), susceptibility to, 6. Last evaluated: 2021-08-24. Review status: criteria provided, single submitter. Criteria: Invitae Variant Classification Sherloc (09022015). Collection method: clinical testing. Allele origin: germline.
Comment: This sequence change replaces glutamic acid with lysine at codon 241 of the TICAM1 protein (p.Glu241Lys). The glutamic acid residue is moderately conserved and there is a small physicochemical difference between glutamic acid and lysine. This variant is present in population databases (rs370487475, ExAC 0.02%). This variant has not been reported in the literature in individuals affected with TICAM1-related conditions. Algorithms developed to predict the effect of missense changes on protein structure and function output the following: SIFT: "Tolerated"; PolyPhen-2: "Benign"; Align-GVGD: "Class C0". The lysine amino acid residue is found in multiple mammalian species, which suggests that this missense change does not adversely affect protein function. In summary, the available evidence is currently insufficient to determine the role of this variant in disease. Therefore, it has been classified as a Variant of Uncertain Significance.